The following is an entry in ClinVar:

ClinVar aggregate classification (germline): Uncertain significance (1 of 4 stars; one submission).

Conditions:
Neuropathy, hereditary sensory, type 2C. Also called: KIF1A-Related HSAN2 (HSAN2C); Hereditary sensory and autonomic neuropathy type IIC. Identifiers: Orphanet 970, MedGen C3280168, MONDO:0013634, OMIM 614213.
Hereditary spastic paraplegia 30. Identifiers: Orphanet 101010, MedGen C5235139, MONDO:0012476.
Intellectual disability, autosomal dominant 9 (NESCAVS). Also called: NESCAV SYNDROME; KIF1A-Related Neurodevelopmental Disorder. Identifiers: Orphanet 662367, MedGen C5393830, MONDO:0013656, OMIM 614255.

Submission:

Labcorp Genetics (formerly Invitae), Labcorp
Classification: Uncertain significance for Hereditary spastic paraplegia 30; Neuropathy, hereditary sensory, type 2C; Intellectual disability, autosomal dominant 9. Last evaluated: 2023-06-03. Review status: criteria provided, single submitter. Criteria: Invitae Variant Classification Sherloc (09022015). Collection method: clinical testing. Allele origin: germline.
Comment: In summary, the available evidence is currently insufficient to determine the role of this variant in disease. Therefore, it has been classified as a Variant of Uncertain Significance. Variants that disrupt the consensus splice site are a relatively common cause of aberrant splicing (PMID: 17576681, 9536098). Algorithms developed to predict the effect of sequence changes on RNA splicing suggest that this variant is not likely to affect RNA splicing. This variant has not been reported in the literature in individuals affected with KIF1A-related conditions. This variant is not present in population databases (gnomAD no frequency). This sequence change falls in intron 41 of the KIF1A gene. It does not directly change the encoded amino acid sequence of the KIF1A protein. It affects a nucleotide within the consensus splice site.

Literature cited by the submitters: PubMed 17576681; PubMed 9536098.

NM_001244008.2(KIF1A):c.4743+3G>C

Gene: KIF1A (kinesin family member 1A; minus strand). Cytogenetic location: 2q37.3.
Variant type: single nucleotide variant.
Coding change: c.4743+3G>C on transcript NM_001244008.2 (MANE Select); 3 bases into the intron after coding-DNA position 4743, G replaced by C.
Molecular consequence: intron variant.
Genome position (GRCh38, 1-based): chr2:240,721,804, C>G on the plus strand (G>C on the coding strand, the complement: KIF1A is on the minus strand). VCF-style: chr2-240721804-C-G. GRCh37 (hg19) VCF-style: chr2-241661221-C-G.
Other names: c.4440+3G>C (NM_001379653.1, NM_001379650.1, NM_001379641.1 and 2 more transcripts); c.4716+3G>C (NM_001379645.1, NM_001379633.1); c.4566+3G>C (NM_001379635.1, NM_001379646.1); c.4437+3G>C (NM_001379640.1); c.4464+3G>C (NM_001379639.1); c.4467+3G>C (NM_001379649.1, NM_001320705.2); c.4554+3G>C (NM_001379636.1); c.4719+3G>C (NM_001379632.1); and 7 more.
Identifiers: ClinVar variation 2948192 (VCV002948192.3), dbSNP rs2536679197, ClinGen allele CA2740096513.